The following is an entry in ClinVar:

NM_018490.5(LGR4):c.1827C>G (p.Gly609=)

Gene: LGR4 (leucine rich repeat containing G protein-coupled receptor 4; minus strand). Cytogenetic location: 11p14.1.
Variant type: single nucleotide variant.
Coding change: c.1827C>G on transcript NM_018490.5 (MANE Select); coding-DNA position 1827, C replaced by G.
Protein change: p.Gly609=; no amino-acid change (glycine 609 retained).
Molecular consequence: synonymous variant.
Genome position (GRCh38, 1-based): chr11:27,368,896, G>C on the plus strand (C>G on the coding strand, the complement: LGR4 is on the minus strand). VCF-style: chr11-27368896-G-C. GRCh37 (hg19) VCF-style: chr11-27390443-G-C.
Other names: c.1755C>G, p.Gly585= (NM_001346432.2).
Identifiers: ClinVar variation 2641693 (VCV002641693.24), dbSNP rs771062877, ClinGen allele CA5928277.

ClinVar aggregate classification (germline): Likely benign (1 of 4 stars; one submission).

Allele frequency attached by ClinVar (database versions not stated): gnomAD exomes below 0.00001; ExAC 0.00001; gnomAD 0.00001; TOPMed 0.00002.
gnomAD v4.1: 10 of 1,613,992 alleles (0.00062%); highest among the groups gnomAD compares: South Asian, 0.0022%; no homozygotes.

Submission:

CeGaT Center for Human Genetics Tuebingen
Classification: Likely benign. Last evaluated: 2022-12-01. Review status: criteria provided, single submitter. Criteria: CeGaT Center For Human Genetics Tuebingen Variant Classification Criteria Version 2. Collection method: clinical testing. Allele origin: germline. Affected: yes. Observed: 1 variant allele.
Comment: LGR4: BP4, BP7